The following is an entry in ClinVar:

NM_001042492.3(NF1):c.7759del (p.Ser2587fs)

Gene: NF1 (neurofibromin 1; plus strand). Cytogenetic location: 17q11.2.
Variant type: Deletion.
Coding change: c.7759del on transcript NM_001042492.3 (MANE Select); coding-DNA position 7759, one base deleted (T; older notation c.7759delT).
Protein change: p.Ser2587fs; shifts the reading frame from serine 2587.
Molecular consequence: frameshift variant.
Genome position (GRCh38, 1-based): chr17:31,356,980, T deleted. VCF-style (leftmost placement, unchanged base first): chr17-31356979-AT-A. GRCh37 (hg19) VCF-style: chr17-29683997-AT-A.
Other names: c.7696delT, p.Ser2566Hisfs (NM_000267.4); short protein forms S2566fs, S2587fs.
Identifiers: ClinVar variation 2858511 (VCV002858511.3), dbSNP rs2508827192, ClinGen allele CA2739267290.

ClinVar aggregate classification (germline): Pathogenic (1 of 4 stars; one submission).

Conditions:
Neurofibromatosis, type 1 (NF1). Also called: Neurofibromatosis, type I; NEUROFIBROMATOSIS, TYPE I, SOMATIC; Peripheral type neurofibromatosis; VON RECKLINGHAUSEN DISEASE. Identifiers: Orphanet 636, MedGen C0027831, MONDO:0018975, OMIM 162200. Disease mechanism: loss of function.

Submission:

Labcorp Genetics (formerly Invitae), Labcorp
Classification: Pathogenic for Neurofibromatosis, type 1. Last evaluated: 2024-07-21. Review status: criteria provided, single submitter. Criteria: Invitae Variant Classification Sherloc (09022015). Collection method: clinical testing. Allele origin: germline.
Comment: This sequence change creates a premature translational stop signal (p.Ser2566Hisfs*37) in the NF1 gene. It is expected to result in an absent or disrupted protein product. Loss-of-function variants in NF1 are known to be pathogenic (PMID: 10712197, 23913538). This variant is not present in population databases (gnomAD no frequency). This variant has not been reported in the literature in individuals affected with NF1-related conditions. For these reasons, this variant has been classified as Pathogenic.

Literature cited by the submitters: PubMed 10712197; PubMed 23913538.